The following is an entry in ClinVar:

ClinVar aggregate classification (germline): Uncertain significance (1 of 4 stars; one submission).

Submission:

Quest Diagnostics Nichols Institute San Juan Capistrano
Classification: Uncertain significance. Last evaluated: 2024-10-21. Review status: criteria provided, single submitter. Criteria: Quest Diagnostics criteria. Collection method: clinical testing. Allele origin: unknown.
Comment: The HBB c.316-133A>T variant has not been reported in individuals with HBB-related conditions in the published literature. It also has not been reported in large, multi-ethnic general populations (Genome Aggregation Database), however the frequency may be unreliable due to suboptimal data quality. Analysis of this variant using software algorithms for the prediction of the effect of nucleotide changes on splicing yielded predictions that this variant does not affect HBB mRNA splicing. Based on the available information, we are unable to determine the clinical significance of this variant.

NM_000518.5(HBB):c.316-133A>T

Genes: HBB (hemoglobin subunit beta; minus strand), LOC107133510 (origin of replication at HBB; plus strand), LOC110006319 (beta-globin gene 3' regulatory region; plus strand). Cytogenetic location: 11p15.4.
Variant type: single nucleotide variant.
Coding change: c.316-133A>T on transcript NM_000518.5 (MANE Select); 133 bases into the intron before coding-DNA position 316, A replaced by T.
Molecular consequence: intron variant.
Genome position (GRCh38, 1-based): chr11:5,225,859, T>A on the plus strand (A>T on the coding strand, the complement: HBB is on the minus strand). VCF-style: chr11-5225859-T-A. GRCh37 (hg19) VCF-style: chr11-5247089-T-A.
Identifiers: ClinVar variation 3572125 (VCV003572125.1).